The following is an entry in ClinVar:

NM_000059.4(BRCA2):c.5116_5119del (p.Asn1706fs)

Gene: BRCA2 (BRCA2 DNA repair associated; plus strand). Cytogenetic location: 13q13.1.
Variant type: Microsatellite.
Coding change: c.5116_5119del on transcript NM_000059.4 (MANE Select); coding-DNA positions 5116 to 5119, 4 bases deleted (AATA; older notation c.5116_5119delAATA).
Protein change: p.Asn1706fs; shifts the reading frame from asparagine 1706.
Molecular consequence: frameshift variant.
Genome position (GRCh38, 1-based): chr13:32,339,471-32,339,474, AATA deleted; deleting any 4 consecutive bases within chr13:32,339,467-32,339,474 gives the same sequence; the c. name uses the placement nearest the transcript's 3' end. VCF-style (leftmost placement, unchanged base first): chr13-32339466-GAATA-G. GRCh37 (hg19) VCF-style: chr13-32913603-GAATA-G.
Other names: 5344delAATA; 5344del4; c.5112_5115delAATA (NM_000059.3); c.5116_5119delAATA (NM_000059.3); short protein forms N1706fs.
Identifiers: ClinVar variation 51773 (VCV000051773.43), dbSNP rs276174853, ClinGen allele CA021296.

ClinVar aggregate classification (germline): Pathogenic. Review status: reviewed by expert panel (3 of 4 stars). 19 submissions from 19 submitters: Pathogenic (1). 18 of the submissions do not count toward it. Last evaluated 2016-09-08.

Conditions:
BRCA2-related disorder. Also called: BRCA2-related condition; BRCA2-related disorders. Identifiers: MedGen CN239275.
Hereditary cancer-predisposing syndrome. Also called: Hereditary Cancer Syndrome; Tumor predisposition; Neoplastic Syndromes, Hereditary; Hereditary neoplastic syndrome. Identifiers: Orphanet 140162, MedGen C0027672, MeSH D009386, MONDO:0015356.
Hereditary breast ovarian cancer syndrome. Also called: Breast and ovarian cancer; BRCA1- and BRCA2-Associated Hereditary Breast and Ovarian Cancer; Hereditary breast and ovarian cancer; Hereditary breast and ovarian cancer syndrome (HBOC); Hereditary breast and ovarian cancer syndrome; Hereditary breast and/or ovarian cancer syndrome. Identifiers: Orphanet 145, MedGen C0677776, MeSH D061325, MONDO:0003582. Disease mechanism: loss of function.
Breast-ovarian cancer, familial, susceptibility to, 2 (BROVCA2). Also called: BRCA2 Hereditary Breast and Ovarian Cancer. Identifiers: Orphanet 145, MedGen C2675520, MONDO:0012933, OMIM 612555. Disease mechanism: loss of function.
Familial cancer of breast. Also called: BREAST CANCER, FAMILIAL; hereditary breast carcinoma; Hereditary breast cancer. Identifiers: Orphanet 227535, MedGen C0346153, MONDO:0016419, OMIM 114480. Disease mechanism: loss of function.
Malignant tumor of breast. Also called: Malignant breast neoplasm; Cancer breast. Identifiers: MedGen C0006142, MONDO:0007254. Disease mechanism: loss of function.

Submissions 1 to 10 of 19:

Evidence-based Network for the Interpretation of Germline Mutant Alleles (ENIGMA)
Classification: Pathogenic for Breast-ovarian cancer, familial, susceptibility to, 2. Last evaluated: 2016-09-08. Review status: reviewed by expert panel. Criteria: ENIGMA BRCA1/2 Classification Criteria (2015). Collection method: curation. Allele origin: germline.
Comment: Variant allele predicted to encode a truncated non-functional protein.

Labcorp Genetics (formerly Invitae), Labcorp
Classification: Pathogenic for Hereditary breast ovarian cancer syndrome. Last evaluated: 2025-12-20. Review status: criteria provided, single submitter. Criteria: Invitae Variant Classification Sherloc (09022015). Collection method: clinical testing. Allele origin: germline. Not counted in ClinVar's aggregate classification.
Comment: This sequence change creates a premature translational stop signal (p.Asn1706Leufs*5) in the BRCA2 gene. It is expected to result in an absent or disrupted protein product. Loss-of-function variants in BRCA2 are known to be pathogenic (PMID: 20104584). This variant is not present in population databases (gnomAD no frequency). This premature translational stop signal has been observed in individual(s) with breast and/or ovarian cancer (PMID: 16758124, 19949853, 21990299, 22217648, 22798144, 23479189, 23683081, 24448499, 26026974). It is commonly reported in individuals of Spanish ancestry (PMID: 19949853). This variant is also known as 5344delAATA, c.5344_5347delAATA, and c.5112_5115delAATA. For these reasons, this variant has been classified as Pathogenic.

Institute of Human Genetics, University of Leipzig Medical Center
Classification: Pathogenic for Breast-ovarian cancer, familial, susceptibility to, 2. Last evaluated: 2025-07-21. Review status: criteria provided, single submitter. Criteria: ACMG Guidelines, 2015. Collection method: clinical testing. Allele origin: maternal. Inheritance: Autosomal dominant inheritance. Affected: yes. Not counted in ClinVar's aggregate classification.
Comment: Criteria applied: PVS1,PM5_STR,PM2_SUP

Ambry Genetics
Classification: Pathogenic for Hereditary cancer-predisposing syndrome. Last evaluated: 2025-05-02. Review status: criteria provided, single submitter. Criteria: Ambry Variant Classification Scheme 2023. Collection method: clinical testing. Allele origin: germline. Not counted in ClinVar's aggregate classification.
Comment: The c.5116_5119delAATA pathogenic mutation, located in coding exon 10 of the BRCA2 gene, results from a deletion of 4 nucleotides at nucleotide positions 5116 to 5119, causing a translational frameshift with a predicted alternate stop codon (p.N1706Lfs*5). This variant has been reported in three individuals diagnosed with breast and/or ovarian cancer (Jang JH et al. J Hum Genet. 2012 Mar;57(3):212-5; Kim H et al. Breast Cancer Res. Treat., 2012 Aug;134:1315-26). This variant is considered to be rare based on population cohorts in the Genome Aggregation Database (gnomAD). Of note, this mutation is also reported as 5344_5347delAATA and 5344del4 in the published literature. In addition to the clinical data presented in the literature, this alteration is expected to result in loss of function by premature protein truncation or nonsense-mediated mRNA decay. As such, this alteration is interpreted as a disease-causing mutation.

CeGaT Center for Human Genetics Tuebingen
Classification: Pathogenic. Last evaluated: 2025-02-01. Review status: criteria provided, single submitter. Criteria: CeGaT Center For Human Genetics Tuebingen Variant Classification Criteria Version 2. Collection method: clinical testing. Allele origin: germline. Affected: yes. Observed: 1 variant allele. Not counted in ClinVar's aggregate classification.
Comment: BRCA2: PVS1, PM2, PS4:Moderate

Hereditary Cancer Laboratory, Hospital Universitario 12 de Octubre
Classification: Pathogenic for Hereditary cancer-predisposing syndrome. Last evaluated: 2024-10-16. Review status: criteria provided, single submitter. Criteria: ACMG Guidelines, 2015. Collection method: clinical testing. Allele origin: germline. Not counted in ClinVar's aggregate classification.
Comment: PVS1+PM2+PP5

Color Diagnostics, LLC DBA Color Health
Classification: Pathogenic for Hereditary cancer-predisposing syndrome. Last evaluated: 2023-12-11. Review status: criteria provided, single submitter. Criteria: ACMG Guidelines, 2015. Collection method: clinical testing. Allele origin: germline. Not counted in ClinVar's aggregate classification.
Comment: This variant deletes 4 nucleotides in exon 11 of the BRCA2 gene, creating a frameshift and premature translation stop signal. This variant is expected to result in an absent or non-functional protein product. To our knowledge, functional studies have not been reported for this variant. This variant has been reported in individuals affected with breast or ovarian cancer (PMID: 16758124, 21990299, 22460208, 22486713, 22798144, 23479189, 23683081, 25863477, 26026974, 27153395, 32894085). This variant has been identified in 1/231774 chromosomes in the general population by the Genome Aggregation Database (gnomAD). Loss of BRCA2 function is a known mechanism of disease. Based on the available evidence, this variant is classified as Pathogenic.

Blueprint Genetics
Classification: Pathogenic for BRCA2-related disorders. Last evaluated: 2023-10-26. Review status: criteria provided, single submitter. Criteria: ACMG Guidelines, 2015. Collection method: clinical testing. Allele origin: germline. Affected: yes. Observed: 2 variant alleles. Not counted in ClinVar's aggregate classification.

Baylor Genetics
Classification: Pathogenic for Familial cancer of breast. Last evaluated: 2023-09-15. Review status: criteria provided, single submitter. Criteria: ACMG Guidelines, 2015. Collection method: clinical testing. Allele origin: unknown. Not counted in ClinVar's aggregate classification.

KCCC/NGS Laboratory, Kuwait Cancer Control Center
Classification: Pathogenic for Breast-ovarian cancer, familial, susceptibility to, 2. Last evaluated: 2023-06-06. Review status: criteria provided, single submitter. Criteria: ACMG Guidelines, 2015. Collection method: clinical testing. Allele origin: germline. Affected: yes. Not counted in ClinVar's aggregate classification.
Comment: This sequence change creates a premature translational stop signal (p.Asn1706Leufs*5) in the BRCA2 gene. It is expected to result in an absent or disrupted protein product. This variant is present in population databases (rs752413577, ExAC 0.002%). This variant has been reported in numerous individuals and families affected with breast and/or ovarian cancer (PMID: 16758124, 26026974, 22217648, 22798144, 24448499, 21990299, 23479189, 23683081). It has been described as a founder mutation in the Spanish population, and has been shown to segregate with breast cancer in several families (PMID: 19949853). This variant is also known as 5344delAATA, c.5344_5347delAATA, and c.5112_5115delAATA in the literature. ClinVar contains an entry for this variant (Variation ID: 51773) with 14 submissions and reviewed by expert panel. Lossoffunction variants in BRCA2 are known to be pathogenic (PMID: 20104584). Therefore, this variant has been classified as Pathogenic